The following is an entry in ClinVar:

ClinVar aggregate classification (germline): Likely benign. Review status: reviewed by expert panel (3 of 4 stars). 2 submissions from 2 submitters: Likely benign (1). 1 of the submissions does not count toward it. Last evaluated 2024-10-29.

Conditions:
Hereditary thrombocytopenia and hematologic cancer predisposition syndrome. Identifiers: Orphanet 71290, MedGen CN281654, MONDO:0011071.
Hereditary thrombocytopenia and hematological cancer predisposition syndrome associated with RUNX1. Also called: RUNX1 Familial Platelet Disorder with Associated Myeloid Malignancies; Familial Platelet Disorder with Propensity to Acute Myelogenous Leukemia; Familial thrombocytopenia with propensity to acute myelogenous leukemia; PLATELET DISORDER, ASPIRIN-LIKE. Identifiers: Orphanet 71290, MedGen C1832388, MeSH C563324, MONDO:0100083, OMIM 601399.

Allele frequency attached by ClinVar (database versions not stated): TOPMed below 0.00001.

Submissions (2):

ClinGen Myeloid Malignancy Variant Curation Expert Panel
Classification: Likely benign for Hereditary thrombocytopenia and hematologic cancer predisposition syndrome. Last evaluated: 2024-10-29. Review status: reviewed by expert panel. Criteria: ClinGen MyeloMalig ACMG Specifications v2. Collection method: curation. Allele origin: germline. Inheritance: Autosomal dominant inheritance.
Comment: NM_001754.5(RUNX1):c.1203C>T (p.Pro401=) is a synonymous variant which has a SpliceAI score ≤ 0.20 (0.0) (BP4). This variant has a SpliceAI score ≤ 0.20 (0.0) and evolutionary conservation prediction algorithms predict the site as not being conserved (PhyloP score ≤ 2.0 (-4.10) (BP7). This variant is completely absent from all population databases with at least 20x coverage for RUNX1 (PM2_Supporting). In summary, this variant meets criteria to be classified as likely benign. ACMG/AMP criteria applied, as specified by the Myeloid Malignancy Variant Curation Expert Panel for RUNX1: BP4, BP7, PM2_supporting.

Labcorp Genetics (formerly Invitae), Labcorp
Classification: Likely benign for Hereditary thrombocytopenia and hematological cancer predisposition syndrome associated with RUNX1. Last evaluated: 2024-04-30. Review status: criteria provided, single submitter. Criteria: Invitae Variant Classification Sherloc (09022015). Collection method: clinical testing. Allele origin: germline. Not counted in ClinVar's aggregate classification.

NM_001754.5(RUNX1):c.1203C>T (p.Pro401=)

Gene: RUNX1 (RUNX family transcription factor 1; minus strand). Cytogenetic location: 21q22.12.
Variant type: single nucleotide variant.
Coding change: c.1203C>T on transcript NM_001754.5 (MANE Select); coding-DNA position 1203, C replaced by T.
Protein change: p.Pro401=; no amino-acid change (proline 401 retained).
Molecular consequence: synonymous variant.
Genome position (GRCh38, 1-based): chr21:34,792,375, G>A on the plus strand (C>T on the coding strand, the complement: RUNX1 is on the minus strand). VCF-style: chr21-34792375-G-A. GRCh37 (hg19) VCF-style: chr21-36164672-G-A.
Other names: NM_001754.5(RUNX1):c.1203C>T; p.Pro401=; c.1122C>T, p.Pro374= (NM_001001890.3).
Identifiers: ClinVar variation 2983698 (VCV002983698.4), dbSNP rs2056454268, ClinGen allele CA512341228.